The following is an entry in ClinVar:

NM_004655.4(AXIN2):c.1280C>A (p.Pro427His)

Gene: AXIN2 (axin 2; minus strand). Cytogenetic location: 17q24.1.
Variant type: single nucleotide variant.
Coding change: c.1280C>A on transcript NM_004655.4 (MANE Select); coding-DNA position 1280, C replaced by A.
Protein change: p.Pro427His; replaces proline 427 with histidine.
Molecular consequence: missense variant.
Genome position (GRCh38, 1-based): chr17:65,537,756, G>T on the plus strand (C>A on the coding strand, the complement: AXIN2 is on the minus strand). VCF-style: chr17-65537756-G-T. GRCh37 (hg19) VCF-style: chr17-63533874-G-T.
Other names: c.1280C>A, p.Pro427His (NM_001363813.1); short protein forms P427H.
Identifiers: ClinVar variation 850919 (VCV000850919.10), dbSNP rs1309062534, ClinGen allele CA400677826.

ClinVar aggregate classification (germline): Uncertain significance. Review status: criteria provided, multiple submitters, no conflicts (2 of 4 stars). 2 submissions from 2 submitters: Uncertain significance (2). Last evaluated 2025-09-04.

Conditions:
Hereditary cancer-predisposing syndrome. Also called: Tumor predisposition; Neoplastic Syndromes, Hereditary; Hereditary neoplastic syndrome; Hereditary Cancer Syndrome. Identifiers: Orphanet 140162, MedGen C0027672, MeSH D009386, MONDO:0015356.
Oligodontia-cancer predisposition syndrome. Also called: TOOTH AGENESIS-COLORECTAL CANCER SYNDROME. Identifiers: Orphanet 300576, MedGen C1837750, MONDO:0012075, OMIM 608615. Disease mechanism: loss of function.

Submissions (2):

Ambry Genetics
Classification: Uncertain significance for Hereditary cancer-predisposing syndrome. Last evaluated: 2025-09-04. Review status: criteria provided, single submitter. Criteria: Ambry Variant Classification Scheme 2023. Collection method: clinical testing. Allele origin: germline.
Comment: The p.P427H variant (also known as c.1280C>A), located in coding exon 5 of the AXIN2 gene, results from a C to A substitution at nucleotide position 1280. The proline at codon 427 is replaced by histidine, an amino acid with similar properties. This amino acid position is conserved. In addition, this alteration is predicted to be tolerated by in silico analysis. Based on the available evidence, the clinical significance of this variant remains unclear.

Labcorp Genetics (formerly Invitae), Labcorp
Classification: Uncertain significance for Oligodontia-cancer predisposition syndrome. Last evaluated: 2023-05-04. Review status: criteria provided, single submitter. Criteria: Invitae Variant Classification Sherloc (09022015). Collection method: clinical testing. Allele origin: germline.
Comment: In summary, the available evidence is currently insufficient to determine the role of this variant in disease. Therefore, it has been classified as a Variant of Uncertain Significance. Advanced modeling of protein sequence and biophysical properties (such as structural, functional, and spatial information, amino acid conservation, physicochemical variation, residue mobility, and thermodynamic stability) performed at Invitae indicates that this missense variant is not expected to disrupt AXIN2 protein function. ClinVar contains an entry for this variant (Variation ID: 850919). This variant has not been reported in the literature in individuals affected with AXIN2-related conditions. This variant is not present in population databases (gnomAD no frequency). This sequence change replaces proline, which is neutral and non-polar, with histidine, which is basic and polar, at codon 427 of the AXIN2 protein (p.Pro427His).